The following is an entry in ClinVar:

NM_002691.4(POLD1):c.1320G>T (p.Gln440His)

Gene: POLD1 (DNA polymerase delta 1, catalytic subunit; plus strand). Cytogenetic location: 19q13.33.
Variant type: single nucleotide variant.
Coding change: c.1320G>T on transcript NM_002691.4 (MANE Select); coding-DNA position 1320, G replaced by T.
Protein change: p.Gln440His; replaces glutamine 440 with histidine.
Molecular consequence: missense variant. On other transcripts: non-coding transcript variant (1).
Genome position (GRCh38, 1-based): chr19:50,406,259, G>T. VCF-style: chr19-50406259-G-T. GRCh37 (hg19) VCF-style: chr19-50909516-G-T.
Other names: c.1320G>T, p.Gln440His (NM_001256849.1, NM_001308632.1); short protein forms Q440H.
Identifiers: ClinVar variation 2106063 (VCV002106063.4), dbSNP rs780771892, ClinGen allele CA406979867.

ClinVar aggregate classification (germline): Uncertain significance (1 of 4 stars; one submission).

Conditions:
POLD1-related polyposis and colorectal cancer syndrome (CRCS10). Also called: Colorectal cancer 10; COLORECTAL CANCER, SUSCEPTIBILITY TO, ON CHROMOSOME 19q; Colorectal cancer, susceptibility to, 10. Identifiers: Orphanet 220460, MedGen C2675481, MONDO:0012953, OMIM 612591.

Submission:

Labcorp Genetics (formerly Invitae), Labcorp
Classification: Uncertain significance for POLD1-related polyposis and colorectal cancer syndrome. Last evaluated: 2022-08-29. Review status: criteria provided, single submitter. Criteria: Invitae Variant Classification Sherloc (09022015). Collection method: clinical testing. Allele origin: germline.
Comment: In summary, the available evidence is currently insufficient to determine the role of this variant in disease. Therefore, it has been classified as a Variant of Uncertain Significance. Algorithms developed to predict the effect of missense changes on protein structure and function are either unavailable or do not agree on the potential impact of this missense change (SIFT: "Deleterious"; PolyPhen-2: "Probably Damaging"; Align-GVGD: "Class C0"). This variant has not been reported in the literature in individuals affected with POLD1-related conditions. This variant is not present in population databases (gnomAD no frequency). This sequence change replaces glutamine, which is neutral and polar, with histidine, which is basic and polar, at codon 440 of the POLD1 protein (p.Gln440His).